The following is an entry in ClinVar:

ClinVar aggregate classification (germline): Uncertain significance (1 of 4 stars; one submission).

Conditions:
Baller-Gerold syndrome (BGS). Also called: CRANIOSYNOSTOSIS WITH RADIAL DEFECTS. Identifiers: Orphanet 1225, MedGen C0265308, MONDO:0009039, OMIM 218600.

Submission:

Labcorp Genetics (formerly Invitae), Labcorp
Classification: Uncertain significance for Baller-Gerold syndrome. Last evaluated: 2019-10-09. Review status: criteria provided, single submitter. Criteria: Invitae Variant Classification Sherloc (09022015). Collection method: clinical testing. Allele origin: germline.
Comment: This variant results in a copy number gain of the genomic region encompassing exons 13-21 of the RECQL4 gene. The 5' boundary is likely confined to intron 12. The 3' end of this event is unknown as it extends beyond the assayed region for this gene and therefore may encompass additional genes. As the precise location of this event is unknown, it may be in tandem or it may be located elsewhere in the genome. This variant has not been reported in the literature in individuals with RECQL4-related conditions. In summary, the available evidence is currently insufficient to determine the role of this variant in disease. Therefore, it has been classified as a Variant of Uncertain Significance.

NC_000008.10:g.(?_145736814)_(145739106_?)dup

Gene: RECQL4 (RecQ like helicase 4; minus strand). Cytogenetic location: 8q24.3.
Variant type: Duplication.
Identifiers: ClinVar variation 831004 (VCV000831004.3).